The following is an entry in ClinVar:

ClinVar aggregate classification (germline): Conflicting classifications of pathogenicity. Review status: criteria provided, conflicting classifications (1 of 4 stars). 2 submissions from 2 submitters: Uncertain significance (1); Likely benign (1). Last evaluated 2025-11-15.

gnomAD v4.1: 130 of 1,614,170 alleles (0.0081%); highest among the groups gnomAD compares: Admixed American, 0.015%; no homozygotes.

Submissions (2):

Labcorp Genetics (formerly Invitae), Labcorp
Classification: Uncertain significance. Last evaluated: 2025-11-15. Review status: criteria provided, single submitter. Criteria: Invitae Variant Classification Sherloc (09022015). Collection method: clinical testing. Allele origin: germline.
Comment: This sequence change replaces arginine, which is basic and polar, with cysteine, which is neutral and slightly polar, at codon 129 of the FAM111A protein (p.Arg129Cys). This variant is present in population databases (rs202134817, gnomAD 0.007%). This variant has not been reported in the literature in individuals affected with FAM111A-related conditions. ClinVar contains an entry for this variant (Variation ID: 3710869). Invitae Evidence Modeling of protein sequence and biophysical properties (such as structural, functional, and spatial information, amino acid conservation, physicochemical variation, residue mobility, and thermodynamic stability) indicates that this missense variant is not expected to disrupt FAM111A protein function with a negative predictive value of 80%. In summary, the available evidence is currently insufficient to determine the role of this variant in disease. Therefore, it has been classified as a Variant of Uncertain Significance.

Blueprint Genetics
Classification: Likely benign. Last evaluated: 2024-11-06. Review status: criteria provided, single submitter. Criteria: ACMG Guidelines, 2015. Collection method: clinical testing. Allele origin: germline.

NM_001312909.2(FAM111A):c.385C>T (p.Arg129Cys)

Gene: FAM111A (FAM111 trypsin like peptidase A; plus strand). Cytogenetic location: 11q12.1.
Variant type: single nucleotide variant.
Coding change: c.385C>T on transcript NM_001312909.2 (MANE Select); coding-DNA position 385, C replaced by T.
Protein change: p.Arg129Cys; replaces arginine 129 with cysteine.
Molecular consequence: missense variant.
Genome position (GRCh38, 1-based): chr11:59,152,053, C>T. VCF-style: chr11-59152053-C-T. GRCh37 (hg19) VCF-style: chr11-58919526-C-T.
Other names: c.385C>T, p.Arg129Cys (NM_001142519.3, NM_001142520.3, NM_001142521.3 and 29 more transcripts); short protein forms R129C.
Identifiers: ClinVar variation 3710869 (VCV003710869.3).